The following is an entry in ClinVar:

NM_007126.5(VCP):c.1408G>C (p.Glu470Gln)

Gene: VCP (valosin containing protein; minus strand). Cytogenetic location: 9p13.3.
Variant type: single nucleotide variant.
Coding change: c.1408G>C on transcript NM_007126.5 (MANE Select); coding-DNA position 1408, G replaced by C.
Protein change: p.Glu470Gln; replaces glutamic acid 470 with glutamine.
Molecular consequence: missense variant.
Genome position (GRCh38, 1-based): chr9:35,060,875, C>G on the plus strand (G>C on the coding strand, the complement: VCP is on the minus strand). VCF-style: chr9-35060875-C-G. GRCh37 (hg19) VCF-style: chr9-35060872-C-G.
Other names: c.1273G>C, p.Glu425Gln (NM_001354927.2, NM_001354928.2); short protein forms E425Q, E470Q.
Identifiers: ClinVar variation 4537312 (VCV004537312.1).

ClinVar aggregate classification (germline): Uncertain significance (1 of 4 stars; one submission).

Submission:

Women's Health and Genetics/Laboratory Corporation of America, LabCorp
Classification: Uncertain significance. Last evaluated: 2025-11-19. Review status: criteria provided, single submitter. Criteria: LabCorp Variant Classification Summary - May 2015. Collection method: clinical testing. Allele origin: germline.
Comment: Variant summary: VCP c.1408G>C (p.Glu470Gln) results in a conservative amino acid change in the encoded protein sequence. Algorithms developed to predict the effect of missense changes on protein structure and function are either unavailable or do not agree on the potential impact of this missense change. The variant was absent in 251494 control chromosomes. The available data on variant occurrences in the general population are insufficient to allow any conclusion about variant significance. To our knowledge, no occurrence of c.1408G>C in individuals affected with VCP-related conditions and no experimental evidence demonstrating its impact on protein function have been reported. No submitters have cited clinical-significance assessments for this variant to ClinVar. Based on the evidence outlined above, the variant was classified as uncertain significance.